The following is an entry in ClinVar:

ClinVar aggregate classification (germline): Uncertain significance (1 of 4 stars; one submission).

Conditions:
Hereditary cancer-predisposing syndrome. Also called: Hereditary Cancer Syndrome; Hereditary neoplastic syndrome; Neoplastic Syndromes, Hereditary; Tumor predisposition. Identifiers: Orphanet 140162, MedGen C0027672, MeSH D009386, MONDO:0015356.

Submission:

Ambry Genetics
Classification: Uncertain significance for Hereditary cancer-predisposing syndrome. Last evaluated: 2020-04-09. Review status: criteria provided, single submitter. Criteria: Ambry Variant Classification Scheme 2023. Collection method: clinical testing. Allele origin: germline.
Comment: The p.A406G variant (also known as c.1217C>G), located in coding exon 6 of the SMARCA4 gene, results from a C to G substitution at nucleotide position 1217. The alanine at codon 406 is replaced by glycine, an amino acid with similar properties. This amino acid position is highly conserved in available vertebrate species. In addition, this alteration is predicted to be tolerated by in silico analysis. Since supporting evidence is limited at this time, the clinical significance of this alteration remains unclear.

NM_003072.5(SMARCA4):c.1217C>G (p.Ala406Gly)

Gene: SMARCA4 (SWI/SNF related BAF chromatin remodeling complex subunit ATPase 4; plus strand). Cytogenetic location: 19p13.2.
Variant type: single nucleotide variant.
Coding change: c.1217C>G on transcript NM_003072.5 (MANE Select); coding-DNA position 1217, C replaced by G.
Protein change: p.Ala406Gly; replaces alanine 406 with glycine.
Molecular consequence: missense variant. On other transcripts: non-coding transcript variant (1).
Genome position (GRCh38, 1-based): chr19:10,989,415, C>G. VCF-style: chr19-10989415-C-G. GRCh37 (hg19) VCF-style: chr19-11100091-C-G.
Other names: c.1217C>G, p.Ala406Gly (NM_001128844.3, NM_001128845.2, NM_001128846.2 and 6 more transcripts); short protein forms A406G.
Identifiers: ClinVar variation 1751931 (VCV001751931.2), dbSNP rs2145849502, ClinGen allele CA404059739.